The following is an entry in ClinVar:

NM_000440.3(PDE6A):c.1307C>A (p.Thr436Asn)

Gene: PDE6A (phosphodiesterase 6A; minus strand). Cytogenetic location: 5q32.
Variant type: single nucleotide variant.
Coding change: c.1307C>A on transcript NM_000440.3 (MANE Select); coding-DNA position 1307, C replaced by A.
Protein change: p.Thr436Asn; replaces threonine 436 with asparagine.
Molecular consequence: missense variant.
Genome position (GRCh38, 1-based): chr5:149,898,463, G>T on the plus strand (C>A on the coding strand, the complement: PDE6A is on the minus strand). VCF-style: chr5-149898463-G-T. GRCh37 (hg19) VCF-style: chr5-149278026-G-T.
Other names: short protein forms T436N.
Identifiers: ClinVar variation 1462981 (VCV001462981.6), dbSNP rs2113592754, ClinGen allele CA361696270.

ClinVar aggregate classification (germline): Uncertain significance (1 of 4 stars; one submission).

Submission:

Labcorp Genetics (formerly Invitae), Labcorp
Classification: Uncertain significance. Last evaluated: 2021-07-22. Review status: criteria provided, single submitter. Criteria: Invitae Variant Classification Sherloc (09022015). Collection method: clinical testing. Allele origin: germline.
Comment: In summary, the available evidence is currently insufficient to determine the role of this variant in disease. Therefore, it has been classified as a Variant of Uncertain Significance. Algorithms developed to predict the effect of missense changes on protein structure and function are either unavailable or do not agree on the potential impact of this missense change (SIFT: "Deleterious"; PolyPhen-2: "Possibly Damaging"; Align-GVGD: "Class C0"). This variant has not been reported in the literature in individuals affected with PDE6A-related conditions. This variant is not present in population databases (ExAC no frequency). This sequence change replaces threonine with asparagine at codon 436 of the PDE6A protein (p.Thr436Asn). The threonine residue is highly conserved and there is a small physicochemical difference between threonine and asparagine.